The following is an entry in ClinVar:

ClinVar aggregate classification (germline): Pathogenic. Review status: criteria provided, multiple submitters, no conflicts (2 of 4 stars). 2 submissions from 2 submitters: Pathogenic (2). Last evaluated 2023-10-20.

Conditions:
Multiple endocrine neoplasia, type 1 (MEN1). Also called: MEA I; MEN I; WERMER SYNDROME; Endocrine adenomatosis multiple; MEN 1. Identifiers: Orphanet 652, MedGen C0025267, MeSH D018761, MONDO:0007540, OMIM 131100.

Submissions (2):

Myriad Genetics, Inc.
Classification: Pathogenic for Multiple endocrine neoplasia, type 1. Last evaluated: 2023-10-20. Review status: criteria provided, single submitter. Criteria: Myriad Autosomal Dominant, Autosomal Recessive and X-Linked Classification Criteria (2023). Collection method: clinical testing. Allele origin: unknown.
Comment: This variant is considered pathogenic. This variant creates a frameshift predicted to result in premature protein truncation.

Labcorp Genetics (formerly Invitae), Labcorp
Classification: Pathogenic for Multiple endocrine neoplasia, type 1. Last evaluated: 2018-12-22. Review status: criteria provided, single submitter. Criteria: Invitae Variant Classification Sherloc (09022015). Collection method: clinical testing. Allele origin: germline.
Comment: This variant has not been reported in the literature in individuals with MEN1-related conditions. For these reasons, this variant has been classified as Pathogenic. This variant disrupts the C-terminus of the MEN1 protein. Other variant(s) that disrupt this region (p.Arg516Glyfs*43) have been determined to be pathogenic (PMID: 9215689, 12112656, 17879353, 23321498). This suggests that variants that disrupt this region of the protein are likely to be causative of disease. This sequence change results in a premature translational stop signal in the MEN1 gene (p.Asp418Alafs*26). While this is not anticipated to result in nonsense mediated decay, it is expected to disrupt the last 193 amino acids of the MEN1 protein. This variant is not present in population databases (ExAC no frequency).

Literature cited by the submitters: PubMed 9215689 (cited by Labcorp Genetics (formerly Invitae), Labcorp); PubMed 12112656 (cited by Labcorp Genetics (formerly Invitae), Labcorp); PubMed 17879353 (cited by Labcorp Genetics (formerly Invitae), Labcorp); PubMed 23321498 (cited by Labcorp Genetics (formerly Invitae), Labcorp).

NM_001370259.2(MEN1):c.1253_1256del (p.Asp418fs)

Gene: MEN1 (menin 1; minus strand). Cytogenetic location: 11q13.1.
Variant type: Deletion.
Coding change: c.1253_1256del on transcript NM_001370259.2 (MANE Select); coding-DNA positions 1253 to 1256, 4 bases deleted (ACGG; older notation c.1253_1256delACGG).
Protein change: p.Asp418fs; shifts the reading frame from aspartic acid 418.
Molecular consequence: frameshift variant.
Genome position (GRCh38, 1-based): chr11:64,805,128-64,805,131, CCGT deleted on the plus strand (ACGG on the coding strand, the reverse complement: MEN1 is on the minus strand); deleting any 4 consecutive bases within chr11:64,805,128-64,805,132 gives the same sequence; the c. name uses the placement nearest the transcript's 3' end. VCF-style (leftmost placement, unchanged base first): chr11-64805127-GCCGT-G. GRCh37 (hg19) VCF-style: chr11-64572599-GCCGT-G.
Other names: c.1268_1271del, p.Asp423fs (NM_130804.3, NM_000244.4, NM_130800.3 and 3 more transcripts); c.1379_1382del, p.Asp460fs (NM_001370251.2); c.1253_1256del, p.Asp418fs (NM_001370260.2, NM_001370261.2, NM_130799.3); c.1148_1151del, p.Asp383fs (NM_001370262.2, NM_001370263.2); short protein forms D383fs, D460fs, D418fs, D423fs.
Identifiers: ClinVar variation 663669 (VCV000663669.10), dbSNP rs1592637081, ClinGen allele CA915948604.
Genomic context (GRCh38, chr11:64,805,127, plus strand): 5'-AAAGGTGGCCCAGCCCACATGCAGCACAGGCGTGGGACTGCCCTCCTCCCATTTGCAGAT[GCCGT>G]CGTAGAATCGCAGCAGGTGGGCGAAGCACTCAGGGTCCTGGAGGGCGGAACCTTGGCTCT-3'